The following is an entry in ClinVar:

ClinVar aggregate classification (germline): Benign (1 of 4 stars; one submission).

Conditions:
Symmetrical dyschromatosis of extremities (DSH). Also called: DYSCHROMATOSIS SYMMETRICA HEREDITARIA 1; RETICULATE ACROPIGMENTATION OF DOHI; SYMMETRIC DYSCHROMATOSIS OF THE EXTREMITIES; Dyschromatosis symmetrica hereditaria. Identifiers: Orphanet 41, MedGen C0406775, MONDO:0007483, OMIM 127400.

Allele frequency attached by ClinVar (database versions not stated): TOPMed 0.00010; 1000 Genomes Project 0.00060; 1000 Genomes Project 30x 0.00078; gnomAD 0.00202 and 0.00210.

Submission:

Illumina Laboratory Services, Illumina
Classification: Benign for Symmetrical dyschromatosis of extremities. Last evaluated: 2018-01-13. Review status: criteria provided, single submitter. Criteria: ICSL Variant Classification Criteria 13 December 2019. Collection method: clinical testing. Allele origin: germline.
Comment: This variant was observed in the ICSL laboratory as part of a predisposition screen in an ostensibly healthy population. It had not been previously curated by ICSL or reported in the Human Gene Mutation Database (HGMD: prior to June 1st, 2018), and was therefore a candidate for classification through an automated scoring system. Utilizing variant allele frequency, disease prevalence and penetrance estimates, and inheritance mode, an automated score was calculated to assess if this variant is too frequent to cause the disease. Based on the score and internal cut-off values, a variant classified as benign is not then subjected to further curation. The score for this variant resulted in a classification of benign for this disease.

NM_001111.5(ADAR):c.*2033G>A

Gene: ADAR (adenosine deaminase RNA specific; minus strand). Cytogenetic location: 1q21.3.
Variant type: single nucleotide variant.
Coding change: c.*2033G>A on transcript NM_001111.5 (MANE Select); 2033 bases downstream of the stop codon, G replaced by A.
Molecular consequence: 3 prime UTR variant.
Genome position (GRCh38, 1-based): chr1:154,582,773, C>T on the plus strand (G>A on the coding strand, the complement: ADAR is on the minus strand). VCF-style: chr1-154582773-C-T. GRCh37 (hg19) VCF-style: chr1-154555249-C-T.
Other names: c.*2033G>A (NM_001025107.3, NM_001193495.2, NM_001365045.1 and 6 more transcripts).
Identifiers: ClinVar variation 876196 (VCV000876196.4), dbSNP rs571724294, ClinGen allele CA30842962.